The following is an entry in ClinVar:

ClinVar aggregate classification (germline): Benign (0 of 4 stars; one submission).

Conditions:
XIRP1-related disorder. Also called: XIRP1-related condition.

Allele frequency attached by ClinVar (database versions not stated): gnomAD exomes 0.00644; ESP Exome Variant Server 0.02130; ExAC 0.02442; gnomAD 0.02688; TOPMed 0.03690; 1000 Genomes Project 0.04113; 1000 Genomes Project 30x 0.04419.

Submission:

PreventionGenetics, part of Exact Sciences
Classification: Benign for XIRP1-related condition. Last evaluated: 2019-09-17. Review status: no assertion criteria provided. Collection method: clinical testing. Allele origin: germline.
Comment: This variant is classified as benign based on ACMG/AMP sequence variant interpretation guidelines (Richards et al. 2015 PMID: 25741868, with internal and published modifications).

NM_194293.4(XIRP1):c.4327G>A (p.Gly1443Ser)

Gene: XIRP1 (xin actin binding repeat containing 1; minus strand). Cytogenetic location: 3p22.2.
Variant type: single nucleotide variant.
Coding change: c.4327G>A on transcript NM_194293.4 (MANE Select); coding-DNA position 4327, G replaced by A.
Protein change: p.Gly1443Ser; replaces glycine 1443 with serine.
Molecular consequence: missense variant. On other transcripts: 3 prime UTR variant (1).
Genome position (GRCh38, 1-based): chr3:39,185,119, C>T on the plus strand (G>A on the coding strand, the complement: XIRP1 is on the minus strand). VCF-style: chr3-39185119-C-T. GRCh37 (hg19) VCF-style: chr3-39226610-C-T.
Other names: c.*534G>A (NM_001198621.4); c.376G>A, p.Gly126Ser (NM_001351377.2); short protein forms G126S, G1443S.
Identifiers: ClinVar variation 3059810 (VCV003059810.2), dbSNP rs75731397, ClinGen allele CA2325867.
Genomic context (GRCh38, chr3:39,185,119, plus strand): 5'-TGTCAGGGCTCTCAGGGGCCCCTTGGTGGGAACCTTCCATGGGCTGCTCTCCTGAGGGGC[C>T]GGGGCCCCACTGTGGTGAGGTGGGATCATGGTTGAGGGCATTGAGCTTGGGGGGCTCAGA-3'
Protein context (NP_919269.2, residues 1433-1453): HDPTSPQWGP[Gly1443Ser]PSGEQPMEGS